The following is an entry in ClinVar:

NM_148960.3(CLDN19):c.*158G>A

Gene: CLDN19 (claudin 19; minus strand). Cytogenetic location: 1p34.2.
Variant type: single nucleotide variant.
Coding change: c.*158G>A on transcript NM_148960.3 (MANE Select); 158 bases downstream of the stop codon, G replaced by A.
Molecular consequence: 3 prime UTR variant.
Genome position (GRCh38, 1-based): chr1:42,734,928, C>T on the plus strand (G>A on the coding strand, the complement: CLDN19 is on the minus strand). VCF-style: chr1-42734928-C-T. GRCh37 (hg19) VCF-style: chr1-43200599-C-T.
Other names: c.*940G>A (NM_001123395.2); c.*834G>A (NM_001185117.2).
Identifiers: ClinVar variation 297336 (VCV000297336.8), dbSNP rs140105842, ClinGen allele CA10609943.

ClinVar aggregate classification (germline): Benign/Likely benign. Review status: criteria provided, multiple submitters, no conflicts (2 of 4 stars). 2 submissions from 2 submitters: Benign (1); Likely benign (1). Last evaluated 2020-03-14.

Conditions:
Renal hypomagnesemia 5 with ocular involvement. Also called: FHHNC WITH SEVERE OCULAR INVOLVEMENT; HYPOMAGNESEMIA, FAMILIAL, WITH HYPERCALCIURIA, NEPHROCALCINOSIS, AND SEVERE OCULAR INVOLVEMENT; MACULAR COLOBOMA, BILATERAL, WITH HYPERCALCIURIA; HYPOMAGNESEMIA 5, RENAL, WITH OR WITHOUT OCULAR INVOLVEMENT. Identifiers: Orphanet 2196, MedGen C4721891, MONDO:0009548, OMIM 248190.

Allele frequency attached by ClinVar (database versions not stated): gnomAD exomes 0.00092; 1000 Genomes Project 0.00719; 1000 Genomes Project 30x 0.00734; gnomAD 0.00753 and 0.00813; TOPMed 0.00820.

Submissions (2):

GeneDx
Classification: Likely benign. Last evaluated: 2020-03-14. Review status: criteria provided, single submitter. Criteria: GeneDx Variant Classification Process June 2021. Collection method: clinical testing. Allele origin: germline. Affected: yes.

Illumina Laboratory Services, Illumina
Classification: Benign for Renal hypomagnesemia 5 with ocular involvement. Last evaluated: 2018-01-13. Review status: criteria provided, single submitter. Criteria: ICSL Variant Classification Criteria 13 December 2019. Collection method: clinical testing. Allele origin: germline.
Comment: This variant was observed in the ICSL laboratory as part of a predisposition screen in an ostensibly healthy population. It had not been previously curated by ICSL or reported in the Human Gene Mutation Database (HGMD: prior to June 1st, 2018), and was therefore a candidate for classification through an automated scoring system. Utilizing variant allele frequency, disease prevalence and penetrance estimates, and inheritance mode, an automated score was calculated to assess if this variant is too frequent to cause the disease. Based on the score and internal cut-off values, a variant classified as benign is not then subjected to further curation. The score for this variant resulted in a classification of benign for this disease.